The following is an entry in ClinVar:

ClinVar aggregate classification (germline): Uncertain significance (1 of 4 stars; one submission).

Conditions:
Epidermodysplasia verruciformis. Identifiers: Orphanet 302, MedGen C0014522, MONDO:0009176.

gnomAD v4.1: 13 of 1,610,070 alleles (0.00081%); highest among the groups gnomAD compares: South Asian, 0.0044%; no homozygotes.

Submission:

Labcorp Genetics (formerly Invitae), Labcorp
Classification: Uncertain significance for Epidermodysplasia verruciformis. Last evaluated: 2022-03-20. Review status: criteria provided, single submitter. Criteria: Invitae Variant Classification Sherloc (09022015). Collection method: clinical testing. Allele origin: germline.
Comment: This sequence change affects codon 249 of the TMC6 mRNA. It is a 'silent' change, meaning that it does not change the encoded amino acid sequence of the TMC6 protein. This variant is present in population databases (no rsID available, gnomAD 0.003%). This variant has not been reported in the literature in individuals affected with TMC6-related conditions. Algorithms developed to predict the effect of sequence changes on RNA splicing suggest that this variant may create or strengthen a splice site. In summary, the available evidence is currently insufficient to determine the role of this variant in disease. Therefore, it has been classified as a Variant of Uncertain Significance.

NM_001127198.5(TMC6):c.747C>T (p.Phe249=)

Gene: TMC6 (transmembrane channel like 6; minus strand). Cytogenetic location: 17q25.3.
Variant type: single nucleotide variant.
Coding change: c.747C>T on transcript NM_001127198.5 (MANE Select); coding-DNA position 747, C replaced by T.
Protein change: p.Phe249=; no amino-acid change (phenylalanine 249 retained).
Molecular consequence: synonymous variant. On other transcripts: non-coding transcript variant (4).
Genome position (GRCh38, 1-based): chr17:78,124,668, G>A on the plus strand (C>T on the coding strand, the complement: TMC6 is on the minus strand). VCF-style: chr17-78124668-G-A. GRCh37 (hg19) VCF-style: chr17-76120749-G-A.
Other names: c.747C>T, p.Phe249= (NM_001321185.1, NM_001374593.1, NM_001374594.1 and 4 more transcripts).
Identifiers: ClinVar variation 2418032 (VCV002418032.5), dbSNP rs1042301977, ClinGen allele CA294354020.